The following is an entry in ClinVar:

ClinVar aggregate classification (germline): Pathogenic (1 of 4 stars; one submission).

Conditions:
Spondyloepiphyseal dysplasia tarda, X-linked. Also called: SED TARDA, X-LINKED. Identifiers: MedGen C3541456, MONDO:0010737, OMIM 313400.

Submission:

Juno Genomics, Hangzhou Juno Genomics, Inc
Classification: Pathogenic for Spondyloepiphyseal dysplasia tarda, X-linked. Review status: criteria provided, single submitter. Criteria: ACMG Guidelines, 2015. Collection method: clinical testing. Allele origin: germline. Affected: yes.
Comment: Absent from controls (or at extremely low frequency if recessive) in Genome Aggregation Database, Exome Sequencing Project, 1000 Genomes Project, or Exome Aggregation Consortium.;Null variant in a gene where loss of function (LOF) is a known mechanism of disease.;Assumed de novo, but without confirmation of paternity and maternity.

NM_001011658.4(TRAPPC2):c.18del (p.Phe7fs)

Genes: OFD1 (OFD1 centriole and centriolar satellite protein; plus strand), TRAPPC2 (trafficking protein particle complex subunit 2; minus strand). Cytogenetic location: Xp22.2.
Variant type: Deletion.
Coding change: c.18del on transcript NM_001011658.4 (MANE Select); coding-DNA position 18, one base deleted (C; older notation c.18delC).
Protein change: p.Phe7fs; shifts the reading frame from phenylalanine 7.
Molecular consequence: frameshift variant.
Genome position (GRCh38, 1-based): chrX:13,719,946, G deleted on the plus strand (C on the coding strand, the reverse complement: TRAPPC2 is on the minus strand). VCF-style (leftmost placement, unchanged base first): chrX-13719945-AG-A. GRCh37 (hg19) VCF-style: chrX-13738064-AG-A.
Other names: c.120del, p.Phe41fs (NM_001128835.3); c.18del, p.Phe7fs (NM_014563.6); short protein forms F41fs, F7fs.
Identifiers: ClinVar variation 3899362 (VCV003899362.2).